The following is an entry in ClinVar:

NM_001172509.2(SATB2):c.1542+2T>G

Gene: SATB2 (SATB homeobox 2; minus strand). Cytogenetic location: 2q33.1.
Variant type: single nucleotide variant.
Coding change: c.1542+2T>G on transcript NM_001172509.2 (MANE Select); the canonical splice donor site of the intron after coding-DNA position 1542, T replaced by G.
Molecular consequence: splice donor variant.
Genome position (GRCh38, 1-based): chr2:199,323,801, A>C on the plus strand (T>G on the coding strand, the complement: SATB2 is on the minus strand). VCF-style: chr2-199323801-A-C. GRCh37 (hg19) VCF-style: chr2-200188524-A-C.
Other names: c.1542+2T>G (NM_001172517.1, NM_015265.4).
Identifiers: ClinVar variation 3344466 (VCV003344466.1).
Genomic context (GRCh38, chr2:199,323,801, plus strand): 5'-GGTGGAGGAAGGAGAAGGATCTAATTCCAGCCCTCGATTTTGCTTTTTTAAAAACCACTC[A>C]CCTGACTTTTATTTGCAGCCACTTTGGCAAACAGGGCTTGAGACACCTTGGCCCTTTTCA-3'

ClinVar aggregate classification (germline): Likely pathogenic (0 of 4 stars; one submission).

Conditions:
SATB2-related disorder. Also called: SATB2-related condition.

Submission:

PreventionGenetics, part of Exact Sciences
Classification: Likely pathogenic for SATB2-related condition. Last evaluated: 2024-05-22. Review status: no assertion criteria provided. Collection method: clinical testing. Allele origin: germline.
Comment: The SATB2 c.1542+2T>G variant is predicted to disrupt the GT donor site and interfere with normal splicing. To our knowledge, this variant has not been reported in the literature or in a large population database, indicating this variant is rare. Variants that disrupt the consensus splice donor site in SATB2 are expected to be pathogenic. This variant is interpreted as likely pathogenic.